The following is an entry in ClinVar:

NM_198428.3(BBS9):c.1841A>G (p.Asn614Ser)

Gene: BBS9 (Bardet-Biedl syndrome 9; plus strand). Cytogenetic location: 7p14.3.
Variant type: single nucleotide variant.
Coding change: c.1841A>G on transcript NM_198428.3 (MANE Select); coding-DNA position 1841, A replaced by G.
Protein change: p.Asn614Ser; replaces asparagine 614 with serine.
Molecular consequence: missense variant. On other transcripts: non-coding transcript variant (3).
Genome position (GRCh38, 1-based): chr7:33,383,717, A>G. VCF-style: chr7-33383717-A-G. GRCh37 (hg19) VCF-style: chr7-33423329-A-G.
Other names: c.1736A>G, p.Asn579Ser (NM_001033604.2); c.1826A>G, p.Asn609Ser (NM_001033605.2); c.1841A>G, p.Asn614Ser (NM_001348036.1, NM_001348041.4, NM_001348043.3 and 1 more transcripts); c.1475A>G, p.Asn492Ser (NM_001348037.3, NM_001348045.3, NM_001348046.3); c.1568A>G, p.Asn523Ser (NM_001348038.3); c.1463A>G, p.Asn488Ser (NM_001348039.3); c.1721A>G, p.Asn574Ser (NM_001348040.3, NM_014451.4); c.1706A>G, p.Asn569Ser (NM_001348042.3); and 1 more; short protein forms N457S, N488S, N492S, N523S, N569S, N574S, N579S, N609S.
Identifiers: ClinVar variation 1024158 (VCV001024158.8), dbSNP rs1825501129, ClinGen allele CA367253185.

ClinVar aggregate classification (germline): Uncertain significance (1 of 4 stars; one submission).

Conditions:
Bardet-Biedl syndrome (BBS). Identifiers: Orphanet 110, MedGen C0752166, MONDO:0015229.

Allele frequency attached by ClinVar (database versions not stated): gnomAD exomes below 0.00001.
gnomAD v4.1: 2 of 1,611,742 alleles (0.00012%); highest among the groups gnomAD compares: Non-Finnish European, 0.00017%; no homozygotes.

Submission:

Labcorp Genetics (formerly Invitae), Labcorp
Classification: Uncertain significance for Bardet-Biedl syndrome. Last evaluated: 2024-04-05. Review status: criteria provided, single submitter. Criteria: Invitae Variant Classification Sherloc (09022015). Collection method: clinical testing. Allele origin: germline.
Comment: This sequence change replaces asparagine, which is neutral and polar, with serine, which is neutral and polar, at codon 614 of the BBS9 protein (p.Asn614Ser). This variant is not present in population databases (gnomAD no frequency). This variant has not been reported in the literature in individuals affected with BBS9-related conditions. ClinVar contains an entry for this variant (Variation ID: 1024158). Advanced modeling of protein sequence and biophysical properties (such as structural, functional, and spatial information, amino acid conservation, physicochemical variation, residue mobility, and thermodynamic stability) performed at Invitae indicates that this missense variant is not expected to disrupt BBS9 protein function with a negative predictive value of 80%. In summary, the available evidence is currently insufficient to determine the role of this variant in disease. Therefore, it has been classified as a Variant of Uncertain Significance.